The following is an entry in ClinVar:

NM_000110.4(DPYD):c.995G>A (p.Arg332Gln)

Gene: DPYD (dihydropyrimidine dehydrogenase; minus strand). Cytogenetic location: 1p21.3.
Variant type: single nucleotide variant.
Coding change: c.995G>A on transcript NM_000110.4 (MANE Select); coding-DNA position 995, G replaced by A.
Protein change: p.Arg332Gln; replaces arginine 332 with glutamine.
Molecular consequence: missense variant.
Genome position (GRCh38, 1-based): chr1:97,593,351, C>T on the plus strand (G>A on the coding strand, the complement: DPYD is on the minus strand). VCF-style: chr1-97593351-C-T. GRCh37 (hg19) VCF-style: chr1-98058907-C-T.
Other names: short protein forms R332Q.
Identifiers: ClinVar variation 298299 (VCV000298299.20), dbSNP rs747633945, ClinGen allele CA963470.

ClinVar aggregate classification (germline): Uncertain significance. Review status: criteria provided, multiple submitters, no conflicts (2 of 4 stars). 3 submissions from 3 submitters: Uncertain significance (3). Last evaluated 2024-10-01.

Conditions:
Inborn genetic diseases. Identifiers: MedGen C0950123, MeSH D030342.
Dihydropyrimidine dehydrogenase deficiency (DPYDD). Also called: Hereditary Thymine-Uraciluria; DPD DEFICIENCY; DPYD DEFICIENCY. Identifiers: Orphanet 1675, MedGen C1959620, MONDO:0010130, OMIM 274270.

Allele frequency attached by ClinVar (database versions not stated): gnomAD exomes 0.00002 and 0.00004; TOPMed 0.00002; ExAC 0.00006.
gnomAD v4.1: 28 of 1,614,072 alleles (0.0017%); highest among the groups gnomAD compares: Admixed American, 0.0033%; no homozygotes.

Submissions (3):

CeGaT Center for Human Genetics Tuebingen
Classification: Uncertain significance. Last evaluated: 2024-10-01. Review status: criteria provided, single submitter. Criteria: CeGaT Center For Human Genetics Tuebingen Variant Classification Criteria Version 2. Collection method: clinical testing. Allele origin: germline. Affected: yes. Observed: 1 variant allele.
Comment: DPYD: PM2, BP4

Ambry Genetics
Classification: Uncertain significance for Inborn genetic diseases. Last evaluated: 2023-09-25. Review status: criteria provided, single submitter. Criteria: Ambry Variant Classification Scheme 2023. Collection method: clinical testing. Allele origin: germline.

Illumina Laboratory Services, Illumina
Classification: Uncertain significance for Dihydropyrimidine dehydrogenase deficiency. Last evaluated: 2018-01-13. Review status: criteria provided, single submitter. Criteria: ICSL Variant Classification Criteria 13 December 2019. Collection method: clinical testing. Allele origin: germline.